The following is an entry in ClinVar:

NM_002485.5(NBN):c.1089C>T (p.Tyr363=)

Gene: NBN (nibrin; minus strand). Cytogenetic location: 8q21.3.
Variant type: single nucleotide variant.
Coding change: c.1089C>T on transcript NM_002485.5 (MANE Select); coding-DNA position 1089, C replaced by T.
Protein change: p.Tyr363=; no amino-acid change (tyrosine 363 retained).
Molecular consequence: synonymous variant.
Genome position (GRCh38, 1-based): chr8:89,958,760, G>A on the plus strand (C>T on the coding strand, the complement: NBN is on the minus strand). VCF-style: chr8-89958760-G-A. GRCh37 (hg19) VCF-style: chr8-90970988-G-A.
Other names: p.Y363Y:TAC>TAT; c.843C>T, p.Tyr281= (NM_001024688.3).
Identifiers: ClinVar variation 182706 (VCV000182706.41), dbSNP rs121908974, ClinGen allele CA248080.

ClinVar aggregate classification (germline): Conflicting classifications of pathogenicity. Review status: criteria provided, conflicting classifications (1 of 4 stars). 13 submissions from 13 submitters: Uncertain significance (2); Benign (1); Likely benign (9). 1 of the submissions does not count toward it. Last evaluated 2026-01-13.

Conditions:
Hereditary cancer-predisposing syndrome. Also called: Tumor predisposition; Neoplastic Syndromes, Hereditary; Hereditary neoplastic syndrome; Hereditary Cancer Syndrome. Identifiers: Orphanet 140162, MedGen C0027672, MeSH D009386, MONDO:0015356.
Microcephaly, normal intelligence and immunodeficiency (NBS). Also called: SEEMANOVA SYNDROME II; Nijmegen breakage syndrome; Microcephaly with normal intelligence immunodeficiency and lymphoreticular malignancies; Nonsyndromal microcephaly autosomal recessive with normal intelligence; Seemanova syndrome 2; BERLIN BREAKAGE SYNDROME. Identifiers: Orphanet 647, MedGen C0398791, MONDO:0009623, OMIM 251260.

Allele frequency attached by ClinVar (database versions not stated): ExAC 0.00003; gnomAD 0.00003 and 0.00004; TOPMed 0.00007.
gnomAD v4.1: 268 of 1,613,950 alleles (0.017%); highest among the groups gnomAD compares: Non-Finnish European, 0.021%; no homozygotes.

Submissions (13):

Labcorp Genetics (formerly Invitae), Labcorp
Classification: Likely benign for Microcephaly, normal intelligence and immunodeficiency. Last evaluated: 2026-01-13. Review status: criteria provided, single submitter. Criteria: Invitae Variant Classification Sherloc (09022015). Collection method: clinical testing. Allele origin: germline.

Institute for Biomarker Research, Medical Diagnostic Laboratories, L.L.C.
Classification: Likely benign for Hereditary cancer-predisposing syndrome. Last evaluated: 2024-08-20. Review status: criteria provided, single submitter. Criteria: ACMG Guidelines, 2015. Collection method: clinical testing. Allele origin: germline.
Comment: The p.Tyr363= variant is not predicted to disrupt an existing splice site. The p.Tyr363= variant results in a substitution of a base that is not predicted conserved by GERP++ and PhyloP. For these reasons, this variant has been classified as Likely Benign.

Blueprint Genetics
Classification: Likely benign. Last evaluated: 2024-07-08. Review status: criteria provided, single submitter. Criteria: ACMG Guidelines, 2015. Collection method: clinical testing. Allele origin: germline.

Genome-Nilou Lab
Classification: Likely benign for Microcephaly, normal intelligence and immunodeficiency. Last evaluated: 2021-11-07. Review status: criteria provided, single submitter. Criteria: ACMG Guidelines, 2015. Collection method: clinical testing. Allele origin: germline. Affected: no.

Sema4
Classification: Likely benign for Hereditary cancer-predisposing syndrome. Last evaluated: 2021-07-22. Review status: criteria provided, single submitter. Criteria: Sema4 Curation Guidelines. Collection method: curation. Allele origin: germline.

Genetic Services Laboratory, University of Chicago
Classification: Likely benign. Last evaluated: 2019-12-27. Review status: criteria provided, single submitter. Criteria: ACMG Guidelines, 2015. Collection method: clinical testing. Allele origin: germline. Affected: no.

Women's Health and Genetics/Laboratory Corporation of America, LabCorp
Classification: Likely benign. Last evaluated: 2019-08-29. Review status: criteria provided, single submitter. Criteria: LabCorp Variant Classification Summary - May 2015. Collection method: clinical testing. Allele origin: germline.

Illumina Laboratory Services, Illumina
Classification: Uncertain significance for Microcephaly, normal intelligence and immunodeficiency. Last evaluated: 2017-04-27. Review status: criteria provided, single submitter. Criteria: ICSL Variant Classification Criteria 13 December 2019. Collection method: clinical testing. Allele origin: germline.
Comment: This variant was observed as part of a predisposition screen in an ostensibly healthy population. A literature search was performed for the gene, cDNA change, and amino acid change (where applicable). Publications were found based on this search. However, the evidence from the literature, in combination with allele frequency data from public databases where available, was not sufficient to rule this variant in or out of causing disease. Therefore, this variant is classified as a variant of unknown significance.

Ambry Genetics
Classification: Likely benign for Hereditary cancer-predisposing syndrome. Last evaluated: 2015-06-18. Review status: criteria provided, single submitter. Criteria: Ambry Variant Classification Scheme 2023. Collection method: clinical testing. Allele origin: germline.

Eurofins Ntd Llc (ga)
Classification: Uncertain significance. Last evaluated: 2015-04-10. Review status: criteria provided, single submitter. Criteria: EGL Classification Definitions 2015. Collection method: clinical testing. Allele origin: germline. Observed: 1 variant allele, 1 heterozygote.

GeneDx
Classification: Benign. Last evaluated: 2014-10-06. Review status: criteria provided, single submitter. Criteria: GeneDx Variant Classification (06012015). Collection method: clinical testing. Allele origin: germline. Affected: yes.
Comment: This variant is considered likely benign or benign based on one or more of the following criteria: it is a conservative change, it occurs at a poorly conserved position in the protein, it is predicted to be benign by multiple in silico algorithms, and/or has population frequency not consistent with disease.

PreventionGenetics, part of Exact Sciences
Classification: Likely benign. Review status: criteria provided, single submitter. Criteria: ACMG Guidelines, 2015. Collection method: clinical testing. Allele origin: germline.

Natera, Inc.
Classification: Likely benign for Nijmegen breakage syndrome. Last evaluated: 2020-02-14. Review status: no assertion criteria provided. Collection method: clinical testing. Allele origin: germline. Not counted in ClinVar's aggregate classification.

Literature cited by the submitters: PubMed 30287823 (cited by Sema4); PubMed 15593232 (cited by Illumina Laboratory Services, Illumina); PubMed 12447395 (cited by Illumina Laboratory Services, Illumina).